The following is an entry in ClinVar:

NM_020693.4(DSCAML1):c.6005C>A (p.Ala2002Asp)

Gene: DSCAML1 (DS cell adhesion molecule like 1; minus strand). Cytogenetic location: 11q23.3.
Variant type: single nucleotide variant.
Coding change: c.6005C>A on transcript NM_020693.4 (MANE Select); coding-DNA position 6005, C replaced by A.
Protein change: p.Ala2002Asp; replaces alanine 2002 with aspartic acid.
Molecular consequence: missense variant.
Genome position (GRCh38, 1-based): chr11:117,428,485, G>T on the plus strand (C>A on the coding strand, the complement: DSCAML1 is on the minus strand). VCF-style: chr11-117428485-G-T. GRCh37 (hg19) VCF-style: chr11-117299201-G-T.
Other names: c.6185C>A (NM_020693.2); short protein forms A2002D.
Identifiers: ClinVar variation 1357265 (VCV001357265.7), dbSNP rs753302101, ClinGen allele CA6295897.

ClinVar aggregate classification (germline): Uncertain significance. Review status: criteria provided, multiple submitters, no conflicts (2 of 4 stars). 2 submissions from 2 submitters: Uncertain significance (2). Last evaluated 2025-11-23.

Allele frequency attached by ClinVar (database versions not stated): TOPMed 0.00027.
gnomAD v4.1: 579 of 1,531,366 alleles (0.038%); highest among the groups gnomAD compares: Non-Finnish European, 0.047%; no homozygotes.

Submissions (2):

Labcorp Genetics (formerly Invitae), Labcorp
Classification: Uncertain significance. Last evaluated: 2025-11-23. Review status: criteria provided, single submitter. Criteria: Invitae Variant Classification Sherloc (09022015). Collection method: clinical testing. Allele origin: germline.
Comment: This sequence change replaces alanine, which is neutral and non-polar, with aspartic acid, which is acidic and polar, at codon 2062 of the DSCAML1 protein (p.Ala2062Asp). This variant is present in population databases (rs753302101, gnomAD 0.04%). This variant has not been reported in the literature in individuals affected with DSCAML1-related conditions. ClinVar contains an entry for this variant (Variation ID: 1357265). An algorithm developed to predict the effect of missense changes on protein structure and function (PolyPhen-2) suggests that this variant is likely to be tolerated. In summary, the available evidence is currently insufficient to determine the role of this variant in disease. Therefore, it has been classified as a Variant of Uncertain Significance.

Ambry Genetics
Classification: Uncertain significance. Last evaluated: 2024-01-22. Review status: criteria provided, single submitter. Criteria: Ambry Variant Classification Scheme 2023. Collection method: clinical testing. Allele origin: germline.